The following is an entry in ClinVar:

ClinVar aggregate classification (germline): Pathogenic/Likely pathogenic. Review status: criteria provided, multiple submitters, no conflicts (2 of 4 stars). 2 submissions from 2 submitters: Pathogenic (1); Likely pathogenic (1). Last evaluated 2022-07-14.

Conditions:
Telangiectasia, hereditary hemorrhagic, type 2 (HHT2). Also called: Telangiectasia, hereditary hemorrhagic, type II; ACVRL1-Related Hereditary Hemorrhagic Telangiectasia. Identifiers: Orphanet 774, MedGen C1838163, MONDO:0010880, OMIM 600376. Disease mechanism: loss of function.
ACVRL1-related disorder. Also called: ACVRL1-related disorders; ACVRL1-related condition.

Submissions (2):

Labcorp Genetics (formerly Invitae), Labcorp
Classification: Pathogenic for Telangiectasia, hereditary hemorrhagic, type 2. Last evaluated: 2022-07-14. Review status: criteria provided, single submitter. Criteria: Invitae Variant Classification Sherloc (09022015). Collection method: clinical testing. Allele origin: germline.
Comment: This sequence change creates a premature translational stop signal (p.Ala400Profs*15) in the ACVRL1 gene. It is expected to result in an absent or disrupted protein product. Loss-of-function variants in ACVRL1 are known to be pathogenic (PMID: 15879500). This variant is not present in population databases (gnomAD no frequency). This variant has not been reported in the literature in individuals affected with ACVRL1-related conditions. For these reasons, this variant has been classified as Pathogenic.

Blueprint Genetics
Classification: Likely pathogenic for ACVRL1-related disorders. Last evaluated: 2022-05-30. Review status: criteria provided, single submitter. Criteria: ACMG Guidelines, 2015. Collection method: clinical testing. Allele origin: germline. Affected: yes. Observed: 2 variant alleles.

Literature cited by the submitters: PubMed 15879500 (cited by Labcorp Genetics (formerly Invitae), Labcorp).

NM_000020.3(ACVRL1):c.1198del (p.Ala400fs)

Gene: ACVRL1 (activin A receptor like type 1; plus strand). Cytogenetic location: 12q13.13.
Variant type: Deletion.
Coding change: c.1198del on transcript NM_000020.3 (MANE Select); coding-DNA position 1198, one base deleted (G; older notation c.1198delG).
Protein change: p.Ala400fs; shifts the reading frame from alanine 400.
Molecular consequence: frameshift variant.
Genome position (GRCh38, 1-based): chr12:51,916,185, G deleted; the last of 3 consecutive G bases (chr12:51,916,183-51,916,185); deleting any one gives the same sequence. VCF-style (leftmost placement, unchanged base first): chr12-51916182-TG-T. GRCh37 (hg19) VCF-style: chr12-52309966-TG-T.
Other names: c.1198del, p.Ala400fs (NM_001077401.2); c.1198delG, p.Ala400Profs (NM_001406487.1, NM_001406488.1, NM_001406489.1); c.886delG, p.Ala296Profs (NM_001406490.1, NM_001406491.1, NM_001406492.1 and 1 more transcripts); c.634delG, p.Ala212Profs (NM_001406495.1); short protein forms A400fs.
Identifiers: ClinVar variation 2017178 (VCV002017178.5), dbSNP rs2540166738, ClinGen allele CA2580086500.